The following is an entry in ClinVar:

ClinVar aggregate classification (germline): Likely benign (0 of 4 stars; one submission).

Conditions:
PHF6-related disorder. Also called: PHF6-related condition.

Allele frequency attached by ClinVar (database versions not stated): gnomAD exomes 0.00001; ExAC 0.00002.
gnomAD v4.1: 7 of 1,208,544 alleles (0.00058%); highest among the groups gnomAD compares: South Asian, 0.0071%; no homozygotes.

Submission:

PreventionGenetics, part of Exact Sciences
Classification: Likely benign for PHF6-related condition. Last evaluated: 2021-06-18. Review status: no assertion criteria provided. Collection method: clinical testing. Allele origin: germline.
Comment: This variant is classified as likely benign based on ACMG/AMP sequence variant interpretation guidelines (Richards et al. 2015 PMID: 25741868, with internal and published modifications).

NM_001015877.2(PHF6):c.9C>T (p.Ser3=)

Gene: PHF6 (PHD finger protein 6; plus strand). Cytogenetic location: Xq26.2.
Variant type: single nucleotide variant.
Coding change: c.9C>T on transcript NM_001015877.2 (MANE Select); coding-DNA position 9, C replaced by T.
Protein change: p.Ser3=; no amino-acid change (serine 3 retained).
Molecular consequence: synonymous variant.
Genome position (GRCh38, 1-based): chrX:134,377,626, C>T. VCF-style: chrX-134377626-C-T. GRCh37 (hg19) VCF-style: chrX-133511656-C-T.
Other names: c.9C>T, p.Ser3= (NM_032335.3, NM_032458.3).
Identifiers: ClinVar variation 3031461 (VCV003031461.2), dbSNP rs779548130, ClinGen allele CA10521130.
Genomic context (GRCh38, chrX:134,377,626, plus strand): 5'-CTGTAGCATTTCTTGAGACTTAAAGTGGCATTCTAAAGGCAATTTAAAAATCATGTCAAG[C>T]TCAGTTGAACAGAAAAAAGGGCCTACAAGACAGCGCAAATGTGGCTTTTGTAAGTCAAAT-3'
Protein context (NP_001015877.1, residues 1-13): MS[Ser3=]SVEQKKGPTR